The following is an entry in ClinVar:

NM_001174096.2(ZEB1):c.1281_1285del (p.Arg427fs)

Gene: ZEB1 (zinc finger E-box binding homeobox 1; plus strand). Cytogenetic location: 10p11.22.
Variant type: Deletion.
Coding change: c.1281_1285del on transcript NM_001174096.2 (MANE Select); coding-DNA positions 1281 to 1285, 5 bases deleted (GCAAG; older notation c.1281_1285delGCAAG).
Protein change: p.Arg427fs; shifts the reading frame from arginine 427.
Molecular consequence: frameshift variant.
Genome position (GRCh38, 1-based): chr10:31,520,613-31,520,617, GCAAG deleted; deleting any 5 consecutive bases within chr10:31,520,610-31,520,617 gives the same sequence; the c. name uses the placement nearest the transcript's 3' end. VCF-style (leftmost placement, unchanged base first): chr10-31520609-TAAGGC-T. GRCh37 (hg19) VCF-style: chr10-31809537-TAAGGC-T.
Other names: c.1230_1234del, p.Arg410fs (NM_001128128.3); c.1218_1222del, p.Arg406fs (NM_001174093.2); c.1227_1231del, p.Arg409fs (NM_001174094.2); c.1077_1081del, p.Arg359fs (NM_001174095.2); c.624_628del, p.Arg208fs (NM_001323638.2, NM_001323641.2, NM_001323642.2 and 27 more transcripts); c.1056_1060del, p.Arg352fs (NM_001323674.2); c.1014_1018del, p.Arg338fs (NM_001323675.2); c.1239_1243del, p.Arg413fs (NM_001323676.2); and 3 more; short protein forms R359fs, R406fs, R409fs, R410fs, R412fs, R427fs, R208fs, R335fs.
Identifiers: ClinVar variation 4719878 (VCV004719878.1).
Genomic context (GRCh38, chr10:31,520,609, plus strand): 5'-TAAGTATCAATTTAAGTGATATTCAGAATGTACTTAAAGTGGCGGTAGATGGTAATGTAA[TAAGGC>T]AAGTGTTGGAGAATAATCAAGCCAATCTTGCATCCAAAGAACAAGAAACAATCAATGCTT-3'

ClinVar aggregate classification (germline): Pathogenic (1 of 4 stars; one submission).

Submission:

Labcorp Genetics (formerly Invitae), Labcorp
Classification: Pathogenic. Last evaluated: 2025-05-19. Review status: criteria provided, single submitter. Criteria: Invitae Variant Classification Sherloc (09022015). Collection method: clinical testing. Allele origin: germline.
Comment: This sequence change creates a premature translational stop signal (p.Arg426Serfs*5) in the ZEB1 gene. It is expected to result in an absent or disrupted protein product. Loss-of-function variants in ZEB1 are known to be pathogenic (PMID: 16252232, 17935237, 30851240). This variant is not present in population databases (gnomAD no frequency). This variant has not been reported in the literature in individuals affected with ZEB1-related conditions. For these reasons, this variant has been classified as Pathogenic.

Literature cited by the submitters: PubMed 16252232; PubMed 17935237; PubMed 30851240.